The following is an entry in ClinVar:

ClinVar aggregate classification (germline): Likely benign. Review status: criteria provided, multiple submitters, no conflicts (2 of 4 stars). 4 submissions from 4 submitters: Likely benign (4). Last evaluated 2026-04-01.

Allele frequency attached by ClinVar (database versions not stated): 1000 Genomes Project 0.00260; 1000 Genomes Project 30x 0.00265; gnomAD exomes 0.00492; ExAC 0.00503; TOPMed 0.00574; gnomAD 0.00605 and 0.00630; ESP Exome Variant Server 0.00684.
gnomAD v4.1: 12,420 of 1,613,466 alleles (0.77%); highest among the groups gnomAD compares: Non-Finnish European, 0.95%; 73 homozygotes.

Submissions (4):

CeGaT Center for Human Genetics Tuebingen
Classification: Likely benign. Last evaluated: 2026-04-01. Review status: criteria provided, single submitter. Criteria: CeGaT Center For Human Genetics Tuebingen Variant Classification Criteria Version 2. Collection method: clinical testing. Allele origin: germline. Affected: yes. Observed: 5 variant alleles.
Comment: C8B: BP4, BS2

Labcorp Genetics (formerly Invitae), Labcorp
Classification: Likely benign. Last evaluated: 2026-02-03. Review status: criteria provided, single submitter. Criteria: Invitae Variant Classification Sherloc (09022015). Collection method: clinical testing. Allele origin: germline.

Women's Health and Genetics/Laboratory Corporation of America, LabCorp
Classification: Likely benign. Last evaluated: 2026-01-30. Review status: criteria provided, single submitter. Criteria: LabCorp Variant Classification Summary - May 2015. Collection method: clinical testing. Allele origin: germline.
Comment: Variant summary: C8B c.1625C>T (p.Thr542Ile) results in a non-conservative amino acid change in the encoded protein sequence. Algorithms developed to predict the effect of missense changes on protein structure and function are either unavailable or do not agree on the potential impact of this missense change. The variant allele was found at a frequency of 0.0049 in 248886 control chromosomes in the gnomAD database, including 9 homozygotes. The observed variant frequency exceeds the estimated maximal expected allele frequency for disease-causing variants in C8B. To our knowledge, no occurrence of c.1625C>T in individuals affected with C8B-related conditions and no experimental evidence demonstrating its impact on protein function have been reported. ClinVar contains an entry for this variant (Variation ID: 770848). Based on the evidence outlined above, the variant was classified as likely benign.

Breakthrough Genomics
Classification: Likely benign. Review status: criteria provided, single submitter. Criteria: ACMG Guidelines, 2015. Collection method: not provided. Allele origin: germline. Inheritance: Autosomal recessive inheritance. Affected: yes.

NM_000066.4(C8B):c.1625C>T (p.Thr542Ile)

Gene: C8B (complement C8 beta chain; minus strand). Cytogenetic location: 1p32.2.
Variant type: single nucleotide variant.
Coding change: c.1625C>T on transcript NM_000066.4 (MANE Select); coding-DNA position 1625, C replaced by T.
Protein change: p.Thr542Ile; replaces threonine 542 with isoleucine.
Molecular consequence: missense variant.
Genome position (GRCh38, 1-based): chr1:56,929,555, G>A on the plus strand (C>T on the coding strand, the complement: C8B is on the minus strand). VCF-style: chr1-56929555-G-A. GRCh37 (hg19) VCF-style: chr1-57395228-G-A.
Other names: c.1469C>T, p.Thr490Ile (NM_001278543.2); c.1439C>T, p.Thr480Ile (NM_001278544.2); short protein forms T480I, T490I, T542I.
Identifiers: ClinVar variation 770848 (VCV000770848.53), dbSNP rs61737417, ClinGen allele CA875560.